The following is an entry in ClinVar:

ClinVar aggregate classification (germline): Uncertain significance (1 of 4 stars; one submission).

Conditions:
Neuroblastoma, susceptibility to, 3. Also called: ALK-Related Neuroblastic Tumor Susceptibility. Identifiers: Orphanet 635, MedGen C2751681, MONDO:0013083, OMIM 613014.

Allele frequency attached by ClinVar (database versions not stated): gnomAD exomes below 0.00001.
gnomAD v4.1: 1 of 1,614,158 alleles (0.000062%); highest among the groups gnomAD compares: African/African-American, 0.0013%; no homozygotes.

Submission:

Labcorp Genetics (formerly Invitae), Labcorp
Classification: Uncertain significance for Neuroblastoma, susceptibility to, 3. Last evaluated: 2025-05-05. Review status: criteria provided, single submitter. Criteria: Invitae Variant Classification Sherloc (09022015). Collection method: clinical testing. Allele origin: germline.
Comment: This sequence change replaces cysteine, which is neutral and slightly polar, with arginine, which is basic and polar, at codon 1255 of the ALK protein (p.Cys1255Arg). This variant is not present in population databases (gnomAD no frequency). This variant has not been reported in the literature in individuals affected with ALK-related conditions. ClinVar contains an entry for this variant (Variation ID: 2759661). An algorithm developed to predict the effect of missense changes on protein structure and function (PolyPhen-2) suggests that this variant is likely to be disruptive. In summary, the available evidence is currently insufficient to determine the role of this variant in disease. Therefore, it has been classified as a Variant of Uncertain Significance.

NM_004304.5(ALK):c.3763T>C (p.Cys1255Arg)

Gene: ALK (ALK receptor tyrosine kinase; minus strand). Cytogenetic location: 2p23.2.
Variant type: single nucleotide variant.
Coding change: c.3763T>C on transcript NM_004304.5 (MANE Select); coding-DNA position 3763, T replaced by C.
Protein change: p.Cys1255Arg; replaces cysteine 1255 with arginine.
Molecular consequence: missense variant.
Genome position (GRCh38, 1-based): chr2:29,209,859, A>G on the plus strand (T>C on the coding strand, the complement: ALK is on the minus strand). VCF-style: chr2-29209859-A-G. GRCh37 (hg19) VCF-style: chr2-29432725-A-G.
Other names: c.559T>C, p.Cys187Arg (NM_001353765.2); short protein forms C187R, C1255R.
Identifiers: ClinVar variation 2759661 (VCV002759661.3), dbSNP rs2148155336, ClinGen allele CA346469803.